The following is an entry in ClinVar:

NM_015443.4(KANSL1):c.2470C>T (p.Arg824Ter)

Gene: KANSL1 (KAT8 regulatory NSL complex subunit 1). Cytogenetic location: 17q21.31.
Variant type: single nucleotide variant.
Coding change: c.2470C>T on transcript NM_015443.4 (MANE Select); coding-DNA position 2470, C replaced by T.
Protein change: p.Arg824Ter; replaces arginine 824 with a stop codon.
Molecular consequence: nonsense.
Genome position (GRCh38, 1-based): chr17:46,038,609, G>A on the plus strand (C>T on the coding strand, the complement: KANSL1 is on the minus strand). VCF-style: chr17-46038609-G-A. GRCh37 (hg19) VCF-style: chr17-44115975-G-A.
Other names: NM_015443.4(KANSL1):c.2470C>T; p.Arg824Ter; c.2470C>T, p.Arg824Ter (NM_001193465.2, NM_001193466.2, NM_001379198.1); short protein forms R824*.
Identifiers: ClinVar variation 1683960 (VCV001683960.12), dbSNP rs2077221203, ClinGen allele CA399980342.
Genomic context (GRCh38, chr17:46,038,609, plus strand): 5'-CTGTAACCTGTGAGCTAGAGCTGGCGGGTGCAGGGGAATCTGAGGAGGTGGAGAGCTGTC[G>A]CACCAAGGGACTGTGTGGAGGATGGTGGGTGGCTGCCAAGTAGCTCGAACTGCTCATGTC-3'

ClinVar aggregate classification (germline): Pathogenic. Review status: criteria provided, multiple submitters, no conflicts (2 of 4 stars). 5 submissions from 5 submitters: Pathogenic (4). 1 of the submissions does not count toward it. Last evaluated 2023-05-15.

Conditions:
KANSL1-related disorder. Also called: KANSL1-related condition.
Koolen-de Vries syndrome (KDVS). Identifiers: Orphanet 96169, MedGen C1864871, MONDO:0012496, OMIM 610443.

Submissions (5):

GeneDx
Classification: Pathogenic. Last evaluated: 2023-05-15. Review status: criteria provided, single submitter. Criteria: GeneDx Variant Classification Process June 2021. Collection method: clinical testing. Allele origin: germline. Affected: yes.
Comment: Nonsense variant predicted to result in protein truncation or nonsense mediated decay in a gene for which loss-of-function is a known mechanism of disease; Not observed in large population cohorts (gnomAD); This variant is associated with the following publications: (PMID: 33393407)

Labcorp Genetics (formerly Invitae), Labcorp
Classification: Pathogenic for Koolen-de Vries syndrome. Last evaluated: 2023-02-08. Review status: criteria provided, single submitter. Criteria: Invitae Variant Classification Sherloc (09022015). Collection method: clinical testing. Allele origin: germline.
Comment: This sequence change creates a premature translational stop signal (p.Arg824*) in the KANSL1 gene. It is expected to result in an absent or disrupted protein product. Loss-of-function variants in KANSL1 are known to be pathogenic (PMID: 22544363, 22544367). This variant is not present in population databases (gnomAD no frequency). This premature translational stop signal has been observed in individual(s) with Koolen-de Vries syndrome (PMID: 33393407). In at least one individual the variant was observed to be de novo. ClinVar contains an entry for this variant (Variation ID: 1683960). For these reasons, this variant has been classified as Pathogenic.

Broad Center for Mendelian Genomics, Broad Institute of MIT and Harvard
Classification: Pathogenic for Koolen-de Vries syndrome. Last evaluated: 2023-01-24. Review status: criteria provided, single submitter. Criteria: ACMG Guidelines, 2015. Collection method: curation. Allele origin: germline. Inheritance: Autosomal dominant inheritance.
Comment: Trio exome analysis showed this variant to be de novo. This variant has been previously reported in one individual with Koolen de Vries syndrome, where it was found to be de novo (PMID: 33393407). This variant has also been reported in ClinVar (Variation ID# 1683960) and has been interpreted as pathogenic by GeneDx. This variant was absent from large population studies. This nonsense variant leads to a premature termination codon at position 824, which is predicted to lead to a truncated or absent protein. Heterozygous loss of function of the KANSL1 gene is an established disease mechanism in Koolen de Vries syndrome. In summary, this variant meets criteria to be classified as pathogenic for Koolen de Vries syndrome. ACMG/AMP Criteria applied: PVS1, PS2_Moderate, PM2_Supporting (Richards 2015).

Juno Genomics, Hangzhou Juno Genomics, Inc
Classification: Pathogenic for Koolen-de Vries syndrome. Review status: criteria provided, single submitter. Criteria: ACMG Guidelines, 2015. Collection method: clinical testing. Allele origin: germline. Affected: yes.
Comment: Absent from controls (or at extremely low frequency if recessive) in Genome Aggregation Database, Exome Sequencing Project, 1000 Genomes Project, or Exome Aggregation Consortium.;Null variant in a gene where loss of function (LOF) is a known mechanism of disease.;The prevalence of the variant in affected individuals is significantly increased compared to the prevalence in controls.;De novo (both maternity and paternity confirmed) in a patient with the disease and no family history.

PreventionGenetics, part of Exact Sciences
Classification: Pathogenic for KANSL1-related condition. Last evaluated: 2024-07-15. Review status: no assertion criteria provided. Collection method: clinical testing. Allele origin: germline. Not counted in ClinVar's aggregate classification.
Comment: The KANSL1 c.2470C>T variant is predicted to result in premature protein termination (p.Arg824*). This variant has been documented as de novo in a patient with Koolen De Vries syndrome (Case 5 in Prat et al. 2021. PubMed ID: 33393407). This variant has not been reported in gnomAD, indicating this variant is rare. This variant falls within a highly paralogous region. Allele frequency data should be interpreted with caution. Nonsense variants in KANSL1 are expected to be pathogenic. This variant is interpreted as pathogenic.

Literature cited by the submitters: PubMed 22544363 (cited by Labcorp Genetics (formerly Invitae), Labcorp); PubMed 22544367 (cited by Labcorp Genetics (formerly Invitae), Labcorp); PubMed 33393407 (cited by Labcorp Genetics (formerly Invitae), Labcorp).